The following is an entry in ClinVar:

ClinVar aggregate classification (germline): Likely pathogenic (0 of 4 stars; one submission).

Conditions:
46 XY differences of sex development. Also called: 46, XY disorder of sex development (DSD); 46,XY disorder of sex development. Identifiers: Orphanet 98085, MedGen C2751824, MONDO:0020040.

Submission:

Center for Translational Medicine, First Affiliated Hospital of Xi'an Jiaotong University
Classification: Likely pathogenic for 46 XY differences of sex development. Review status: no assertion criteria provided. Collection method: clinical testing. Allele origin: unknown. Affected: yes. Observed: 1 heterozygote.
Comment: The c.1252C>T variant of NR5A1 gene is not found in the large population gnomAD database. This variant introduces a premature termination codon, which is predicted to result in a truncated protein. This variant in the NR5A1 gene is located within the terminal exon and is predicted to escape nonsense-mediated mRNA decay, but would result in a lacking the critical AF-2 domain of NR5A1 protein.

NM_004959.5(NR5A1):c.1252C>T (p.Gln418Ter)

Gene: NR5A1 (nuclear receptor subfamily 5 group A member 1; minus strand). Cytogenetic location: 9q33.3.
Variant type: single nucleotide variant.
Coding change: c.1252C>T on transcript NM_004959.5 (MANE Select); coding-DNA position 1252, C replaced by T.
Protein change: p.Gln418Ter; replaces glutamine 418 with a stop codon.
Molecular consequence: nonsense.
Genome position (GRCh38, 1-based): chr9:124,482,892, G>A on the plus strand (C>T on the coding strand, the complement: NR5A1 is on the minus strand). VCF-style: chr9-124482892-G-A. GRCh37 (hg19) VCF-style: chr9-127245171-G-A.
Other names: short protein forms Q418*.
Identifiers: ClinVar variation 3891321 (VCV003891321.1).